The following is an entry in ClinVar:

ClinVar aggregate classification (germline): Likely pathogenic (1 of 4 stars; one submission).

Conditions:
Junctional epidermolysis bullosa gravis of Herlitz. Also called: EPIDERMOLYSIS BULLOSA, JUNCTIONAL 1B, SEVERE; Epidermolysis Bullosa Letalis; Herlitz-type junctional epidermolysis bullosa; EPIDERMOLYSIS BULLOSA JUNCTIONALIS, HERLITZ TYPE; EPIDERMOLYSIS BULLOSA, JUNCTIONAL, HERLITZ-PEARSON TYPE; JEB-HERLITZ TYPE. Identifiers: Orphanet 79404, MedGen C0079683, MONDO:0009182, OMIM 226700.

Submission:

Neuberg Centre For Genomic Medicine, NCGM
Classification: Likely pathogenic for Junctional epidermolysis bullosa gravis of Herlitz. Review status: criteria provided, single submitter. Criteria: ACMG Guidelines, 2015. Collection method: clinical testing. Allele origin: germline. Inheritance: Autosomal recessive inheritance. Affected: yes.
Comment: The stop gained p.C65* in LAMC2 (NM_005562.3) has not been reported previously as a pathogenic variant nor as a benign variant, to our knowledge. The p.C65* variant is novel (not in any individuals) in gnomAD Exomes and is novel (not in any individuals) in 1000 Genomes. This variant is predicted to cause loss of normal protein function through protein truncation. The p.C65* variant is a loss of function variant in the gene LAMC2, which is intolerant of Loss of Function variants. For these reasons, this variant has been classified as Likely Pathogenic.

NM_005562.3(LAMC2):c.195C>A (p.Cys65Ter)

Gene: LAMC2 (laminin subunit gamma 2; plus strand). Cytogenetic location: 1q25.3.
Variant type: single nucleotide variant.
Coding change: c.195C>A on transcript NM_005562.3 (MANE Select); coding-DNA position 195, C replaced by A.
Protein change: p.Cys65Ter; replaces cysteine 65 with a stop codon.
Molecular consequence: nonsense.
Genome position (GRCh38, 1-based): chr1:183,207,996, C>A. VCF-style: chr1-183207996-C-A. GRCh37 (hg19) VCF-style: chr1-183177131-C-A.
Other names: c.195C>A, p.Cys65Ter (NM_018891.3); short protein forms C65*.
Identifiers: ClinVar variation 2584967 (VCV002584967.1), dbSNP rs2525976672, ClinGen allele CA343670101.
Genomic context (GRCh38, chr1:183,207,996, plus strand): 5'-ACAAACTGGTAATGGATTCCGCTGCCTCAACTGCAATGACAACACTGATGGCATTCACTG[C>A]GAGAAGTGCAAGAATGGCTTTTACCGGCACAGAGAAAGGGACCGCTGTTTGCCCTGCAAT-3'